The following is an entry in ClinVar:

ClinVar aggregate classification (germline): Uncertain significance (1 of 4 stars; one submission).

Conditions:
Spondyloenchondrodysplasia with immune dysregulation (SPENCDI). Also called: COMBINED IMMUNODEFICIENCY WITH AUTOIMMUNITY AND SPONDYLOMETAPHYSEAL DYSPLASIA; SPONDYLOENCHONDRODYSPLASIA WITH OR WITHOUT IMMUNE DYSREGULATION; ROIFMAN IMMUNOSKELETAL SYNDROME. Identifiers: Orphanet 1855, MedGen C1842763, MONDO:0011939, OMIM 607944.

gnomAD v4.1: 1 of 1,614,190 alleles (0.000062%); no homozygotes.

Submission:

Labcorp Genetics (formerly Invitae), Labcorp
Classification: Uncertain significance for Spondyloenchondrodysplasia with immune dysregulation. Last evaluated: 2022-06-10. Review status: criteria provided, single submitter. Criteria: Invitae Variant Classification Sherloc (09022015). Collection method: clinical testing. Allele origin: germline.
Comment: In summary, the available evidence is currently insufficient to determine the role of this variant in disease. Therefore, it has been classified as a Variant of Uncertain Significance. Algorithms developed to predict the effect of missense changes on protein structure and function are either unavailable or do not agree on the potential impact of this missense change (SIFT: "Not Available"; PolyPhen-2: "Probably Damaging"; Align-GVGD: "Not Available"). This variant has not been reported in the literature in individuals affected with ACP5-related conditions. This variant is not present in population databases (gnomAD no frequency). This sequence change replaces alanine, which is neutral and non-polar, with aspartic acid, which is acidic and polar, at codon 51 of the ACP5 protein (p.Ala51Asp).

NM_001611.5(ACP5):c.152C>A (p.Ala51Asp)

Gene: ACP5 (acid phosphatase 5, tartrate resistant; minus strand). Cytogenetic location: 19p13.2.
Variant type: single nucleotide variant.
Coding change: c.152C>A on transcript NM_001611.5 (MANE Select); coding-DNA position 152, C replaced by A.
Protein change: p.Ala51Asp; replaces alanine 51 with aspartic acid.
Molecular consequence: missense variant.
Genome position (GRCh38, 1-based): chr19:11,577,166, G>T on the plus strand (C>A on the coding strand, the complement: ACP5 is on the minus strand). VCF-style: chr19-11577166-G-T. GRCh37 (hg19) VCF-style: chr19-11687981-G-T.
Other names: c.152C>A, p.Ala51Asp (NM_001111034.3, NM_001111035.3, NM_001111036.3 and 1 more transcripts); short protein forms A51D.
Identifiers: ClinVar variation 2000477 (VCV002000477.4), dbSNP rs2512731040, ClinGen allele CA404149160.